The following is an entry in ClinVar:

ClinVar aggregate classification (germline): Pathogenic (1 of 4 stars; one submission).

Conditions:
MADD-related disorder. Also called: MADD-Related Disorders; MADD-related condition.

Submission:

Undiagnosed Diseases Network, NIH
Classification: Pathogenic for MADD-related condition. Last evaluated: 2020-07-22. Review status: criteria provided, single submitter. Criteria: ACMG Guidelines, 2015. Collection method: clinical testing. Allele origin: paternal. Inheritance: Autosomal recessive inheritance. Affected: yes. Observed: 1 variant allele, 1 compound heterozygote. Study: Undiagnosed Diseases Network (NIH), UDN.

NM_001376571.1(MADD):c.4080del (p.Lys1361fs)

Gene: MADD (MAP kinase activating death domain; plus strand). Cytogenetic location: 11p11.2.
Variant type: Deletion.
Coding change: c.4080del on transcript NM_001376571.1 (MANE Select); coding-DNA position 4080, one base deleted (G; older notation c.4080delG).
Protein change: p.Lys1361fs; shifts the reading frame from lysine 1361.
Molecular consequence: frameshift variant. On other transcripts: non-coding transcript variant (8).
Genome position (GRCh38, 1-based): chr11:47,309,534, G deleted; the last of 2 consecutive G bases (chr11:47,309,533-47,309,534); deleting either gives the same sequence. VCF-style (leftmost placement, unchanged base first): chr11-47309532-CG-C. GRCh37 (hg19) VCF-style: chr11-47331083-CG-C.
Other names: c.3771del, p.Lys1258fs (NM_001135943.2); c.3762del, p.Lys1255fs (NM_001135944.2, NM_001376618.1, NM_001376619.1 and 2 more transcripts); c.4068del, p.Lys1357fs (NM_001376572.1, NM_001376573.1, NM_001376599.1 and 2 more transcripts); c.4026del, p.Lys1343fs (NM_001376574.1, NM_001376605.1); c.4020del, p.Lys1341fs (NM_001376575.1); c.4008del, p.Lys1337fs (NM_001376576.1, NM_001376577.1, NM_001376610.1); c.3981del, p.Lys1328fs (NM_001376578.1); c.3954del, p.Lys1319fs (NM_001376579.1, NM_001376580.1, NM_001376622.1 and 1 more transcripts); and 41 more; short protein forms K1080fs, K1150fs, K1199fs, K1211fs, K1221fs, K1226fs, K1228fs, K1229fs.
Identifiers: ClinVar variation 978041 (VCV000978041.4), dbSNP rs2086196870, ClinGen allele CA1139661953.